The following is an entry in ClinVar:

ClinVar aggregate classification (germline): Uncertain significance (1 of 4 stars; one submission).

Allele frequency attached by ClinVar (database versions not stated): gnomAD exomes 0.00001; TOPMed below 0.00001; ExAC 0.00002.
gnomAD v4.1: 4 of 1,614,144 alleles (0.00025%); highest among the groups gnomAD compares: Admixed American, 0.005%; no homozygotes.

Submission:

Labcorp Genetics (formerly Invitae), Labcorp
Classification: Uncertain significance. Last evaluated: 2025-06-12. Review status: criteria provided, single submitter. Criteria: Invitae Variant Classification Sherloc (09022015). Collection method: clinical testing. Allele origin: germline.
Comment: This sequence change replaces histidine, which is basic and polar, with tyrosine, which is neutral and polar, at codon 1773 of the CNOT1 protein (p.His1773Tyr). This variant is present in population databases (rs753057598, gnomAD 0.009%). This variant has not been reported in the literature in individuals affected with CNOT1-related conditions. ClinVar contains an entry for this variant (Variation ID: 2875149). An algorithm developed to predict the effect of missense changes on protein structure and function (PolyPhen-2) suggests that this variant is likely to be tolerated. In summary, the available evidence is currently insufficient to determine the role of this variant in disease. Therefore, it has been classified as a Variant of Uncertain Significance.

NM_016284.5(CNOT1):c.5332C>T (p.His1778Tyr)

Gene: CNOT1 (CCR4-NOT transcription complex subunit 1; minus strand). Cytogenetic location: 16q21.
Variant type: single nucleotide variant.
Coding change: c.5332C>T on transcript NM_016284.5 (MANE Select); coding-DNA position 5332, C replaced by T.
Protein change: p.His1778Tyr; replaces histidine 1778 with tyrosine.
Molecular consequence: missense variant. On other transcripts: non-coding transcript variant (1).
Genome position (GRCh38, 1-based): chr16:58,537,973, G>A on the plus strand (C>T on the coding strand, the complement: CNOT1 is on the minus strand). VCF-style: chr16-58537973-G-A. GRCh37 (hg19) VCF-style: chr16-58571877-G-A.
Other names: c.5317C>T, p.His1773Tyr (NM_001265612.2); short protein forms H1773Y, H1778Y.
Identifiers: ClinVar variation 2875149 (VCV002875149.3), dbSNP rs753057598, ClinGen allele CA8088899.